The following is an entry in ClinVar:

NM_001909.5(CTSD):c.268dup (p.Gln90fs)

Gene: CTSD (cathepsin D; minus strand). Cytogenetic location: 11p15.5.
Variant type: Duplication.
Coding change: c.268dup on transcript NM_001909.5 (MANE Select); coding-DNA position 268, one base duplicated (C; older notation c.268dupC).
Protein change: p.Gln90fs; shifts the reading frame from glutamine 90.
Molecular consequence: frameshift variant.
Genome position (GRCh38, 1-based): chr11:1,759,600, G duplicated on the plus strand (C on the coding strand, the reverse complement: CTSD is on the minus strand); the first of 7 consecutive G bases (chr11:1,759,600-1,759,606); duplicating any one gives the same sequence. VCF-style (leftmost placement, unchanged base first): chr11-1759599-T-TG. GRCh37 (hg19) VCF-style: chr11-1780829-T-TG.
Other names: c.268dupC (NM_001909.4); short protein forms Q90fs.
Identifiers: ClinVar variation 430138 (VCV000430138.11), dbSNP rs752612332, ClinGen allele CA5814243.

ClinVar aggregate classification (germline): Pathogenic. Review status: criteria provided, multiple submitters, no conflicts (2 of 4 stars). 6 submissions from 6 submitters: Pathogenic (6). Last evaluated 2026-02-27.

Conditions:
Neuronal ceroid lipofuscinosis. Also called: Neuronal Ceroid Lipofuscinoses. Identifiers: Orphanet 216, Orphanet 79263, MedGen C0027877, MONDO:0016295. Disease mechanism: loss of function.
Neuronal ceroid lipofuscinosis 10 (CLN10). Also called: NEURONAL CEROID LIPOFUSCINOSIS DUE TO CATHEPSIN D DEFICIENCY; CTSD-Related Neuronal Ceroid-Lipofuscinosis. Identifiers: Orphanet 228337, MedGen C1864669, MONDO:0012414, OMIM 610127.
Retinal disorder. Also called: Retinopathy; Retinal disorders; Retinopathies; Retinal Diseases. Identifiers: MedGen C0035309, MONDO:0005283, HP:0000488.
CTSD-related disorder. Also called: CTSD-related condition.

Submissions (6):

Genetics Laboratory, Great Ormond Street Hospital NHS Foundation Trust, North Thames Genomic Laboratory Hub
Classification: Pathogenic for Retinal disorders. Last evaluated: 2026-02-27. Review status: criteria provided, single submitter. Criteria: ACGS Best Practice Guidelines for Variant Classification in Rare Disease 2024 v1.2. Collection method: clinical testing. Allele origin: germline. Affected: yes.
Comment: PM2_moderate, PVS1_very-strong

Labcorp Genetics (formerly Invitae), Labcorp
Classification: Pathogenic for Neuronal ceroid lipofuscinosis. Last evaluated: 2025-10-07. Review status: criteria provided, single submitter. Criteria: Invitae Variant Classification Sherloc (09022015). Collection method: clinical testing. Allele origin: germline.
Comment: This sequence change creates a premature translational stop signal (p.Gln90Profs*50) in the CTSD gene. It is expected to result in an absent or disrupted protein product. Loss-of-function variants in CTSD are known to be pathogenic (PMID: 16670177, 26059544). The frequency data for this variant in the population databases is considered unreliable, as metrics indicate poor data quality at this position in the gnomAD database. This premature translational stop signal has been observed in individual(s) with clinical features of neuronal ceroid lipofuscinosis (PMID: 26059544, 29373990). It has also been observed to segregate with disease in related individuals. ClinVar contains an entry for this variant (Variation ID: 430138). For these reasons, this variant has been classified as Pathogenic.

Blueprint Genetics
Classification: Pathogenic for CTSD-related disorders. Last evaluated: 2024-08-19. Review status: criteria provided, single submitter. Criteria: ACMG Guidelines, 2015. Collection method: clinical testing. Allele origin: germline. Affected: yes. Observed: 5 variant alleles.

3billion
Classification: Pathogenic for Neuronal ceroid lipofuscinosis 10. Last evaluated: 2024-07-23. Review status: criteria provided, single submitter. Criteria: ACMG Guidelines, 2015. Collection method: clinical testing. Allele origin: germline. Affected: yes.
Comment: The variant is observed at an extremely low frequency in the gnomAD v4.0.0 dataset (total allele frequency: 0.001%). Predicted Consequence/Location: Frameshift: predicted to result in a loss or disruption of normal protein function through nonsense-mediated decay (NMD) or protein truncation. Multiple pathogenic variants are reported downstream of the variant. The variant has been reported at least twice as pathogenic without evidence for the classification (ClinVar ID: VCV000430138 /PMID: 26059544). Therefore, this variant is classified as Pathogenic according to the recommendation of ACMG/AMP guideline.

GeneDx
Classification: Pathogenic. Last evaluated: 2017-05-22. Review status: criteria provided, single submitter. Criteria: GeneDx Variant Classification (06012015). Collection method: clinical testing. Allele origin: germline. Affected: yes.
Comment: The c.268dupC pathogenic variant in the CTSD gene has been reported previously as a homozygous change in two siblings with myoclonic epilepsy, respiratory failure, and cathepsin D deficiency (Meyer et al., 2015). Due to use of alternative nomenclature, this variant has been reported as c.268_269insC (Meyer et al., 2015). The c.268dupC variant is not observed in large population cohorts (Lek et al., 2016; 1000 Genomes Consortium et al., 2015; Exome Variant Server). The duplication causes a frameshift starting with codon Glutamine 90, changes this amino acid to a Proline residue and creates a premature Stop codon at position 50 of the new reading frame, denoted p.Gln90ProfsX50. This pathogenic variant is predicted to cause loss of normal protein function either through protein truncation or nonsense-mediated mRNA decay.

Juno Genomics, Hangzhou Juno Genomics, Inc
Classification: Pathogenic for Neuronal ceroid lipofuscinosis 10. Review status: criteria provided, single submitter. Criteria: ACMG Guidelines, 2015. Collection method: clinical testing. Allele origin: germline. Affected: yes.
Comment: Absent from controls (or at extremely low frequency if recessive) in Genome Aggregation Database, Exome Sequencing Project, 1000 Genomes Project, or Exome Aggregation Consortium.;Null variant in a gene where loss of function (LOF) is a known mechanism of disease.;For recessive disorders, detected in trans with a pathogenic variant.;Co-segregation with disease in multiple affected family members in a gene definitively known to cause the disease.

Literature cited by the submitters: PubMed 16670177 (cited by Labcorp Genetics (formerly Invitae), Labcorp); PubMed 26059544 (cited by Labcorp Genetics (formerly Invitae), Labcorp and 3billion); PubMed 29373990 (cited by Labcorp Genetics (formerly Invitae), Labcorp).